The following is an entry in ClinVar:

ClinVar aggregate classification (germline): Pathogenic (1 of 4 stars; one submission).

Conditions:
Alstrom syndrome (ALMS). Identifiers: Orphanet 64, MedGen C0268425, MONDO:0008763, OMIM 203800.

Submission:

Labcorp Genetics (formerly Invitae), Labcorp
Classification: Pathogenic for Alstrom syndrome. Last evaluated: 2023-01-28. Review status: criteria provided, single submitter. Criteria: Invitae Variant Classification Sherloc (09022015). Collection method: clinical testing. Allele origin: germline.
Comment: This sequence change creates a premature translational stop signal (p.Phe3910Profs*9) in the ALMS1 gene. It is expected to result in an absent or disrupted protein product. Loss-of-function variants in ALMS1 are known to be pathogenic (PMID: 17594715). This variant is not present in population databases (gnomAD no frequency). This variant has not been reported in the literature in individuals affected with ALMS1-related conditions. For these reasons, this variant has been classified as Pathogenic.

Literature cited by the submitters: PubMed 17594715.

NM_001378454.1(ALMS1):c.11725_11726del (p.Phe3909fs)

Gene: ALMS1 (ALMS1 centrosome and basal body associated protein; plus strand). Cytogenetic location: 2p13.1.
Variant type: Deletion.
Coding change: c.11725_11726del on transcript NM_001378454.1 (MANE Select); coding-DNA positions 11725 to 11726, 2 bases deleted (TT; older notation c.11725_11726delTT).
Protein change: p.Phe3909fs; shifts the reading frame from phenylalanine 3909.
Molecular consequence: frameshift variant.
Genome position (GRCh38, 1-based): chr2:73,600,734-73,600,735, TT deleted; deleting any 2 consecutive bases within chr2:73,600,733-73,600,735 gives the same sequence; the c. name uses the placement nearest the transcript's 3' end. VCF-style (leftmost placement, unchanged base first): chr2-73600732-CTT-C. GRCh37 (hg19) VCF-style: chr2-73827859-CTT-C.
Other names: c.11728_11729del, p.Phe3910fs (NM_015120.4); short protein forms F3909fs, F3910fs.
Identifiers: ClinVar variation 2832419 (VCV002832419.3), dbSNP rs2466520056, ClinGen allele CA2739271107.
Genomic context (GRCh38, chr2:73,600,732, plus strand): 5'-CCTCAGGTAACTTGGAGATTGTGAACGGTGCCAAAAAACACACTCGAGATGTTGGGATAA[CTT>C]TCCCAACTCCAAGTTCCAGCGAGGCTAAATTGGAAGAGAACAGTGATGTGACTTCTTGGT-3'